The following is an entry in ClinVar:

ClinVar aggregate classification (germline): Likely benign (1 of 4 stars; one submission).

Submission:

CeGaT Center for Human Genetics Tuebingen
Classification: Likely benign. Last evaluated: 2026-01-01. Review status: criteria provided, single submitter. Criteria: CeGaT Center For Human Genetics Tuebingen Variant Classification Criteria Version 2. Collection method: clinical testing. Allele origin: germline. Affected: yes. Observed: 1 variant allele.
Comment: MUC20: BP4, BP7

NM_001282506.2(MUC20):c.114G>A (p.Thr38=)

Gene: MUC20 (mucin 20, cell surface associated). Cytogenetic location: 3q29.
Variant type: single nucleotide variant.
Coding change: c.114G>A on transcript NM_001282506.2 (MANE Select); coding-DNA position 114, G replaced by A.
Protein change: p.Thr38=; no amino-acid change (threonine 38 retained).
Molecular consequence: synonymous variant.
Genome position (GRCh38, 1-based): chr3:195,724,717, G>A. VCF-style: chr3-195724717-G-A. GRCh37 (hg19) VCF-style: chr3-195451588-G-A.
Identifiers: ClinVar variation 4821587 (VCV004821587.4).